The following is an entry in ClinVar:

ClinVar aggregate classification (germline): Benign/Likely benign. Review status: criteria provided, multiple submitters, no conflicts (2 of 4 stars). 7 submissions from 7 submitters: Benign (6); Likely benign (1). Last evaluated 2026-01-24.

Conditions:
Familial X-linked hypophosphatemic vitamin D refractory rickets (XLHRD). Also called: Hypophosphatemic Rickets, X-Linked Dominant; X-Linked Hypophosphatemia; HYPOPHOSPHATEMIC VITAMIN D-RESISTANT RICKETS; Hypophosphatemia, vitamin D-resistant rickets; Vitamin D-resistant rickets, X-linked. Identifiers: Orphanet 89936, MedGen C0733682, MONDO:0010619, OMIM 307800.

Allele frequency attached by ClinVar (database versions not stated): gnomAD exomes 0.00106 and 0.00287; ExAC 0.00352; gnomAD 0.00930 and 0.00980; TOPMed 0.01085; ESP Exome Variant Server 0.01174; 1000 Genomes Project 30x 0.01394; 1000 Genomes Project 0.01430.
gnomAD v4.1: 2,269 of 1,207,453 alleles (0.19%); highest among the groups gnomAD compares: African/African-American, 3.2%; 24 homozygotes.

Submissions (7):

Labcorp Genetics (formerly Invitae), Labcorp
Classification: Benign. Last evaluated: 2026-01-24. Review status: criteria provided, single submitter. Criteria: Invitae Variant Classification Sherloc (09022015). Collection method: clinical testing. Allele origin: germline.

Athena Diagnostics
Classification: Benign. Last evaluated: 2024-07-30. Review status: criteria provided, single submitter. Criteria: Athena Diagnostics Criteria. Collection method: clinical testing. Allele origin: unknown.

Blueprint Genetics
Classification: Benign. Last evaluated: 2024-07-18. Review status: criteria provided, single submitter. Criteria: ACMG Guidelines, 2015. Collection method: clinical testing. Allele origin: germline.

Mayo Clinic Laboratories, Mayo Clinic
Classification: Benign. Last evaluated: 2023-11-29. Review status: criteria provided, single submitter. Criteria: ACMG Guidelines, 2015. Collection method: clinical testing. Allele origin: germline. Observed: 2 variant alleles.
Comment: BS1, BS2, BP4, BP7

Fulgent Genetics
Classification: Likely benign for Familial X-linked hypophosphatemic vitamin D refractory rickets. Last evaluated: 2021-07-16. Review status: criteria provided, single submitter. Criteria: ACMG Guidelines, 2015. Collection method: clinical testing. Allele origin: unknown.

GeneDx
Classification: Benign. Last evaluated: 2019-09-30. Review status: criteria provided, single submitter. Criteria: GeneDx Variant Classification Process June 2021. Collection method: clinical testing. Allele origin: germline. Affected: yes.
Comment: This variant is associated with the following publications: (PMID: 18625346)

Breakthrough Genomics
Classification: Benign. Review status: criteria provided, single submitter. Criteria: ACMG Guidelines, 2015. Collection method: not provided. Allele origin: germline. Inheritance: X-linked inheritance. Affected: yes.

Literature cited by the submitters: PubMed 18625346 (cited by Athena Diagnostics).

NM_000444.6(PHEX):c.288A>G (p.Glu96=)

Gene: PHEX (phosphate regulating endopeptidase X-linked; plus strand). Cytogenetic location: Xp22.11.
Variant type: single nucleotide variant.
Coding change: c.288A>G on transcript NM_000444.6 (MANE Select); coding-DNA position 288, A replaced by G.
Protein change: p.Glu96=; no amino-acid change (glutamic acid 96 retained).
Molecular consequence: synonymous variant.
Genome position (GRCh38, 1-based): chrX:22,047,150, A>G. VCF-style: chrX-22047150-A-G. GRCh37 (hg19) VCF-style: chrX-22065268-A-G.
Other names: p.Glu96=; c.288A>G, p.Glu96= (NM_001282754.2).
Identifiers: ClinVar variation 787516 (VCV000787516.18), dbSNP rs112836831, ClinGen allele CA10368011.